The following is an entry in ClinVar:

ClinVar aggregate classification (germline): Uncertain significance (1 of 4 stars; one submission).

Conditions:
SHORT syndrome. Also called: SHORT STATURE, HYPEREXTENSIBILITY, HERNIA, OCULAR DEPRESSION, RIEGER ANOMALY, AND TEETHING DELAY; LIPODYSTROPHY, PARTIAL, WITH RIEGER ANOMALY AND SHORT STATURE; PIK3R1-Related SHORT Syndrome. Identifiers: Orphanet 3163, MedGen C0878684, MONDO:0010026, OMIM 269880.
Agammaglobulinemia 7, autosomal recessive (AGM7). Also called: AGAMMAGLOBULINEMIA, AUTOSOMAL RECESSIVE, DUE TO PIK3R1 DEFECT. Identifiers: MedGen C3554689, MONDO:0014083, OMIM 615214.
Immunodeficiency 36 with lymphoproliferation. Also called: Immunodeficiency 36; ACTIVATED PI3K-DELTA SYNDROME 2; Activated PI3K Delta Syndrome Type 2 (APDS2). Identifiers: Orphanet 397596, Orphanet 693681, MedGen C4014934, MONDO:0014453, OMIM 616005.

gnomAD v4.1: 2 of 1,613,768 alleles (0.00012%); highest among the groups gnomAD compares: African/African-American, 0.0013%; no homozygotes.

Submission:

Clinical Genomics Laboratory, Washington University in St. Louis
Classification: Uncertain significance for Agammaglobulinemia 7, autosomal recessive; SHORT syndrome; Immunodeficiency 36 with lymphoproliferation. Last evaluated: 2025-11-30. Review status: criteria provided, single submitter. Criteria: ACMG Guidelines, 2015. Collection method: clinical testing. Allele origin: germline.
Comment: A PIK3R1 c.413C>T (p.Ala138Val) variant was identified at a near heterozygous allelic fraction of 48.2%, a frequency which may be consistent with it being of germline origin. This variant, to our knowledge, has not been reported in the medical literature or the ClinVar database. It is only observed on 2/1,613,768 alleles in the general population (gnomAD v4.1.0), indicating it is not a common variant. Computational predictors suggest that the variant does not impact PIK3R1 function. Due to limited information, and based on ACMG/AMP guidelines for variant interpretation (Richards S et al., PMID: 25741868), the clinical significance of this variant is uncertain at this time.

Literature cited by the submitters: uncertain.

NM_181523.3(PIK3R1):c.413C>T (p.Ala138Val)

Gene: PIK3R1 (phosphoinositide-3-kinase regulatory subunit 1; plus strand). Cytogenetic location: 5q13.1.
Variant type: single nucleotide variant.
Coding change: c.413C>T on transcript NM_181523.3 (MANE Select); coding-DNA position 413, C replaced by T.
Protein change: p.Ala138Val; replaces alanine 138 with valine.
Molecular consequence: missense variant.
Genome position (GRCh38, 1-based): chr5:68,273,468, C>T. VCF-style: chr5-68273468-C-T. GRCh37 (hg19) VCF-style: chr5-67569296-C-T.
Other names: short protein forms A138V.
Identifiers: ClinVar variation 4974599 (VCV004974599.1).